The following is an entry in ClinVar:

ClinVar aggregate classification (germline): Uncertain significance. Review status: criteria provided, multiple submitters, no conflicts (2 of 4 stars). 2 submissions from 2 submitters: Uncertain significance (2). Last evaluated 2025-06-26.

Conditions:
Hereditary cancer-predisposing syndrome. Also called: Neoplastic Syndromes, Hereditary; Hereditary neoplastic syndrome; Tumor predisposition; Hereditary Cancer Syndrome. Identifiers: Orphanet 140162, MedGen C0027672, MeSH D009386, MONDO:0015356.

Submissions (2):

Ambry Genetics
Classification: Uncertain significance for Hereditary cancer-predisposing syndrome. Last evaluated: 2025-06-26. Review status: criteria provided, single submitter. Criteria: Ambry Variant Classification Scheme 2023. Collection method: clinical testing. Allele origin: germline.
Comment: The c.861_862delTCinsCT variant (also known as p.H288Y), located in coding exon 5 of the MSH3 gene, results from an in-frame deletion of TC and insertion of CT at nucleotide positions 861 to 862. This results in the substitution of the histidine residue for a tyrosine residue at codon 288, an amino acid with similar properties. This amino acid position is highly conserved in available vertebrate species. In addition, the in silico prediction for this variant is inconclusive (Choi Y et al. PLoS ONE. 2012; 7(10):e46688). Based on the available evidence, the clinical significance of this variant remains unclear.

Labcorp Genetics (formerly Invitae), Labcorp
Classification: Uncertain significance. Last evaluated: 2025-02-03. Review status: criteria provided, single submitter. Criteria: Invitae Variant Classification Sherloc (09022015). Collection method: clinical testing. Allele origin: germline.
Comment: This sequence change replaces histidine, which is basic and polar, with tyrosine, which is neutral and polar, at codon 288 of the MSH3 protein (p.His288Tyr). Information on the frequency of this variant in the gnomAD database is not available, as this variant may be reported differently in the database. This variant has not been reported in the literature in individuals affected with MSH3-related conditions. ClinVar contains an entry for this variant (Variation ID: 2894091). Experimental studies and prediction algorithms are not available or were not evaluated, and the functional significance of this variant is currently unknown. In summary, the available evidence is currently insufficient to determine the role of this variant in disease. Therefore, it has been classified as a Variant of Uncertain Significance.

NM_002439.5(MSH3):c.861_862delinsCT (p.His288Tyr)

Gene: MSH3 (mutS homolog 3; plus strand). Cytogenetic location: 5q14.1.
Variant type: Indel.
Coding change: c.861_862delinsCT on transcript NM_002439.5 (MANE Select); coding-DNA positions 861 to 862, TC replaced by CT.
Protein change: p.His288Tyr; replaces histidine 288 with tyrosine.
Molecular consequence: missense variant.
Genome position (GRCh38, 1-based): chr5:80,672,312-80,672,313, TC replaced by CT. VCF-style: chr5-80672312-TC-CT. GRCh37 (hg19) VCF-style: chr5-79968131-TC-CT.
Other names: c.861_862delTCinsCT (NM_002439.3); short protein forms H288Y.
Identifiers: ClinVar variation 2894091 (VCV002894091.4), dbSNP rs2546722429, ClinGen allele CA2739274810.